The following is an entry in ClinVar:

NM_000815.5(GABRD):c.1001A>G (p.Asn334Ser)

Gene: GABRD (gamma-aminobutyric acid type A receptor subunit delta; plus strand). Cytogenetic location: 1p36.33.
Variant type: single nucleotide variant.
Coding change: c.1001A>G on transcript NM_000815.5 (MANE Select); coding-DNA position 1001, A replaced by G.
Protein change: p.Asn334Ser; replaces asparagine 334 with serine.
Molecular consequence: missense variant.
Genome position (GRCh38, 1-based): chr1:2,029,704, A>G. VCF-style: chr1-2029704-A-G. GRCh37 (hg19) VCF-style: chr1-1961143-A-G.
Other names: short protein forms N334S.
Identifiers: ClinVar variation 1047780 (VCV001047780.8), dbSNP rs764783225, ClinGen allele CA534848.
Genomic context (GRCh38, chr1:2,029,704, plus strand): 5'-TCTGGATCTGCTATGTCTTCGTGTTTGCCGCCCTGGTGGAGTACGCCTTTGCTCATTTCA[A>G]CGCCGACTACAGGAAGAAGCAGAAGGCCAAGGTCAAGGTCTCCAGGCCGAGGGCAGAGGT-3'
Protein context (NP_000806.2, residues 324-344): ALVEYAFAHF[Asn334Ser]ADYRKKQKAK

ClinVar aggregate classification (germline): Uncertain significance (1 of 4 stars; one submission).

Conditions:
Idiopathic generalized epilepsy. Also called: EIG; Generalised epilepsy. Identifiers: MedGen C0270850, MONDO:0005579, OMIM 600669.

Allele frequency attached by ClinVar (database versions not stated): ExAC 0.00001; gnomAD 0.00001; gnomAD exomes 0.00001 and 0.00002; TOPMed 0.00002.
gnomAD v4.1: 11 of 1,613,310 alleles (0.00068%); highest among the groups gnomAD compares: Middle Eastern, 0.016%; no homozygotes.

Submission:

Labcorp Genetics (formerly Invitae), Labcorp
Classification: Uncertain significance for Idiopathic generalized epilepsy. Last evaluated: 2022-05-12. Review status: criteria provided, single submitter. Criteria: Invitae Variant Classification Sherloc (09022015). Collection method: clinical testing. Allele origin: germline.
Comment: ClinVar contains an entry for this variant (Variation ID: 1047780). In summary, the available evidence is currently insufficient to determine the role of this variant in disease. Therefore, it has been classified as a Variant of Uncertain Significance. Algorithms developed to predict the effect of sequence changes on RNA splicing suggest that this variant may create or strengthen a splice site. Algorithms developed to predict the effect of missense changes on protein structure and function output the following: SIFT: "Tolerated"; PolyPhen-2: "Benign"; Align-GVGD: "Class C0". The serine amino acid residue is found in multiple mammalian species, which suggests that this missense change does not adversely affect protein function. This variant has not been reported in the literature in individuals affected with GABRD-related conditions. This variant is present in population databases (rs764783225, gnomAD 0.006%). This sequence change replaces asparagine, which is neutral and polar, with serine, which is neutral and polar, at codon 334 of the GABRD protein (p.Asn334Ser).